The following is an entry in ClinVar:

ClinVar aggregate classification (germline): Uncertain significance (1 of 4 stars; one submission).

Conditions:
Bloom syndrome (BLM). Also called: Bloom-Torre-Machacek syndrome. Identifiers: Orphanet 125, MedGen C0005859, MONDO:0008876, OMIM 210900.

gnomAD v4.1: 2 of 1,614,156 alleles (0.00012%); highest among the groups gnomAD compares: Non-Finnish European, 0.00017%; no homozygotes.

Submission:

Labcorp Genetics (formerly Invitae), Labcorp
Classification: Uncertain significance for Bloom syndrome. Last evaluated: 2024-05-18. Review status: criteria provided, single submitter. Criteria: Invitae Variant Classification Sherloc (09022015). Collection method: clinical testing. Allele origin: germline.
Comment: This sequence change replaces glutamic acid, which is acidic and polar, with lysine, which is basic and polar, at codon 971 of the BLM protein (p.Glu971Lys). This variant is not present in population databases (gnomAD no frequency). This variant has not been reported in the literature in individuals affected with BLM-related conditions. ClinVar contains an entry for this variant (Variation ID: 1428408). Advanced modeling of protein sequence and biophysical properties (such as structural, functional, and spatial information, amino acid conservation, physicochemical variation, residue mobility, and thermodynamic stability) performed at Invitae indicates that this missense variant is expected to disrupt BLM protein function with a positive predictive value of 80%. In summary, the available evidence is currently insufficient to determine the role of this variant in disease. Therefore, it has been classified as a Variant of Uncertain Significance.

NM_000057.4(BLM):c.2911G>A (p.Glu971Lys)

Gene: BLM (BLM RecQ like helicase; plus strand). Cytogenetic location: 15q26.1.
Variant type: single nucleotide variant.
Coding change: c.2911G>A on transcript NM_000057.4 (MANE Select); coding-DNA position 2911, G replaced by A.
Protein change: p.Glu971Lys; replaces glutamic acid 971 with lysine.
Molecular consequence: missense variant.
Genome position (GRCh38, 1-based): chr15:90,790,736, G>A. VCF-style: chr15-90790736-G-A. GRCh37 (hg19) VCF-style: chr15-91333966-G-A.
Other names: c.2911G>A, p.Glu971Lys (NM_001287246.2, NM_001287247.2); c.1786G>A, p.Glu596Lys (NM_001287248.2); short protein forms E971K, E596K.
Identifiers: ClinVar variation 1428408 (VCV001428408.8), dbSNP rs2151184569, ClinGen allele CA393846396.